The following is an entry in ClinVar:

ClinVar aggregate classification (germline): Uncertain significance. Review status: criteria provided, single submitter (1 of 4 stars). 2 submissions from 2 submitters: Uncertain significance (1). 1 of the submissions does not count toward it. Last evaluated 2021-10-22.

Conditions:
Inborn genetic diseases. Identifiers: MedGen C0950123, MeSH D030342.
DNAH9-related disorder. Also called: DNAH9-related condition.

Allele frequency attached by ClinVar (database versions not stated): ESP Exome Variant Server 0.00015; TOPMed 0.00017; gnomAD 0.00036; gnomAD exomes 0.00048; ExAC 0.00089; 1000 Genomes Project 0.00100; 1000 Genomes Project 30x 0.00109.
gnomAD v4.1: 757 of 1,610,090 alleles (0.047%); highest among the groups gnomAD compares: South Asian, 0.53%; 9 homozygotes.

Submissions (2):

Ambry Genetics
Classification: Uncertain significance for Inborn genetic diseases. Last evaluated: 2021-10-22. Review status: criteria provided, single submitter. Criteria: Ambry Variant Classification Scheme 2023. Collection method: clinical testing. Allele origin: germline.

PreventionGenetics, part of Exact Sciences
Classification: Likely benign for DNAH9-related condition. Last evaluated: 2021-03-24. Review status: no assertion criteria provided. Collection method: clinical testing. Allele origin: germline. Not counted in ClinVar's aggregate classification.
Comment: This variant is classified as likely benign based on ACMG/AMP sequence variant interpretation guidelines (Richards et al. 2015 PMID: 25741868, with internal and published modifications).

NM_001372.4(DNAH9):c.9932C>A (p.Ala3311Asp)

Gene: DNAH9 (dynein axonemal heavy chain 9; plus strand). Cytogenetic location: 17p12.
Variant type: single nucleotide variant.
Coding change: c.9932C>A on transcript NM_001372.4 (MANE Select); coding-DNA position 9932, C replaced by A.
Protein change: p.Ala3311Asp; replaces alanine 3311 with aspartic acid.
Molecular consequence: missense variant.
Genome position (GRCh38, 1-based): chr17:11,854,427, C>A. VCF-style: chr17-11854427-C-A. GRCh37 (hg19) VCF-style: chr17-11757744-C-A.
Other names: short protein forms A3311D.
Identifiers: ClinVar variation 2242552 (VCV002242552.4), dbSNP rs149935831, ClinGen allele CA8397333.